The following is an entry in ClinVar:

ClinVar aggregate classification (germline): Uncertain significance (1 of 4 stars; one submission).

Conditions:
Hereditary cancer-predisposing syndrome. Also called: Neoplastic Syndromes, Hereditary; Tumor predisposition; Hereditary Cancer Syndrome; Hereditary neoplastic syndrome. Identifiers: Orphanet 140162, MedGen C0027672, MeSH D009386, MONDO:0015356.

gnomAD v4.1: 2 of 1,614,138 alleles (0.00012%); highest among the groups gnomAD compares: Non-Finnish European, 0.00017%; no homozygotes.

Submission:

Ambry Genetics
Classification: Uncertain significance for Hereditary cancer-predisposing syndrome. Last evaluated: 2026-05-21. Review status: criteria provided, single submitter. Criteria: Ambry Variant Classification Scheme 2023. Collection method: clinical testing. Allele origin: germline.
Comment: The p.R1284I variant (also known as c.3851G>T), located in coding exon 26 of the ALK gene, results from a G to T substitution at nucleotide position 3851. The arginine at codon 1284 is replaced by isoleucine, an amino acid with similar properties. This amino acid position is conserved. In addition, this alteration is predicted to be deleterious by in silico analysis. Based on the available evidence, the clinical significance of this variant remains unclear.

NM_004304.5(ALK):c.3851G>T (p.Arg1284Ile)

Gene: ALK (ALK receptor tyrosine kinase; minus strand). Cytogenetic location: 2p23.2.
Variant type: single nucleotide variant.
Coding change: c.3851G>T on transcript NM_004304.5 (MANE Select); coding-DNA position 3851, G replaced by T.
Protein change: p.Arg1284Ile; replaces arginine 1284 with isoleucine.
Molecular consequence: missense variant.
Genome position (GRCh38, 1-based): chr2:29,207,258, C>A on the plus strand (G>T on the coding strand, the complement: ALK is on the minus strand). VCF-style: chr2-29207258-C-A. GRCh37 (hg19) VCF-style: chr2-29430124-C-A.
Other names: c.647G>T, p.Arg216Ile (NM_001353765.2); short protein forms R1284I, R216I.
Identifiers: ClinVar variation 4870398 (VCV004870398.1).